The following is an entry in ClinVar:

ClinVar aggregate classification (germline): Likely pathogenic (1 of 4 stars; one submission).

Conditions:
Intellectual developmental disorder, X-linked 1. Also called: Atkin Flaitz Patil Smith syndrome; MENTAL RETARDATION, X-LINKED 18; MENTAL RETARDATION, X-LINKED 78; Intellectual disability, X-linked 1. Identifiers: Orphanet 777, MedGen C2931498, MONDO:0010656, OMIM 309530.

Submission:

Labcorp Genetics (formerly Invitae), Labcorp
Classification: Likely pathogenic for Intellectual developmental disorder, X-linked 1. Last evaluated: 2023-11-10. Review status: criteria provided, single submitter. Criteria: Invitae Variant Classification Sherloc (09022015). Collection method: clinical testing. Allele origin: germline.
Comment: This sequence change affects a splice site in intron 7 of the IQSEC2 gene. It is expected to disrupt RNA splicing. Variants that disrupt the donor or acceptor splice site typically lead to a loss of protein function (PMID: 16199547), and loss-of-function variants in IQSEC2 are known to be pathogenic (PMID: 21686261, 26793055, 27665735). This variant is not present in population databases (gnomAD no frequency). This variant has not been reported in the literature in individuals affected with IQSEC2-related conditions. ClinVar contains an entry for this variant (Variation ID: 963871). Algorithms developed to predict the effect of sequence changes on RNA splicing suggest that this variant may disrupt the consensus splice site. In summary, the currently available evidence indicates that the variant is pathogenic, but additional data are needed to prove that conclusively. Therefore, this variant has been classified as Likely Pathogenic.

Literature cited by the submitters: PubMed 16199547; PubMed 21686261; PubMed 26793055; PubMed 27665735.

NM_001111125.3(IQSEC2):c.2582+1del

Gene: IQSEC2 (IQ motif and Sec7 domain ArfGEF 2; minus strand). Cytogenetic location: Xp11.22.
Variant type: Deletion.
Coding change: c.2582+1del on transcript NM_001111125.3 (MANE Select); the canonical splice donor site of the intron after coding-DNA position 2582, one base deleted (G; older notation c.2582+1delG).
Molecular consequence: splice donor variant.
Genome position (GRCh38, 1-based): chrX:53,248,113, C deleted on the plus strand (G on the coding strand, the reverse complement: IQSEC2 is on the minus strand); the first of 2 consecutive C bases (chrX:53,248,113-53,248,114); deleting either gives the same sequence. VCF-style (leftmost placement, unchanged base first): chrX-53248112-AC-A. GRCh37 (hg19) VCF-style: chrX-53277294-AC-A.
Other names: c.2582+1del (NM_001410736.1); c.1967+1del (NM_015075.2).
Identifiers: ClinVar variation 963871 (VCV000963871.8), dbSNP rs2074335019, ClinGen allele CA1139667566.